The following is an entry in ClinVar:

ClinVar aggregate classification (germline): Uncertain significance (1 of 4 stars; one submission).

Conditions:
Pierpont syndrome (PRPTS). Identifiers: Orphanet 487825, MedGen C1865644, MONDO:0011213, OMIM 602342.

Submission:

Labcorp Genetics (formerly Invitae), Labcorp
Classification: Uncertain significance for Pierpont syndrome. Last evaluated: 2025-02-24. Review status: criteria provided, single submitter. Criteria: Invitae Variant Classification Sherloc (09022015). Collection method: clinical testing. Allele origin: germline.
Comment: This sequence change replaces methionine, which is neutral and non-polar, with leucine, which is neutral and non-polar, at codon 378 of the TBL1XR1 protein (p.Met378Leu). This variant is not present in population databases (gnomAD no frequency). This variant has not been reported in the literature in individuals affected with TBL1XR1-related conditions. Invitae Evidence Modeling of protein sequence and biophysical properties (such as structural, functional, and spatial information, amino acid conservation, physicochemical variation, residue mobility, and thermodynamic stability) indicates that this missense variant is not expected to disrupt TBL1XR1 protein function with a negative predictive value of 95%. In summary, the available evidence is currently insufficient to determine the role of this variant in disease. Therefore, it has been classified as a Variant of Uncertain Significance.

NM_024665.7(TBL1XR1):c.1132A>T (p.Met378Leu)

Gene: TBL1XR1 (TBL1X/Y related 1; minus strand). Cytogenetic location: 3q26.32.
Variant type: single nucleotide variant.
Coding change: c.1132A>T on transcript NM_024665.7 (MANE Select); coding-DNA position 1132, A replaced by T.
Protein change: p.Met378Leu; replaces methionine 378 with leucine.
Molecular consequence: missense variant.
Genome position (GRCh38, 1-based): chr3:177,034,316, T>A on the plus strand (A>T on the coding strand, the complement: TBL1XR1 is on the minus strand). VCF-style: chr3-177034316-T-A. GRCh37 (hg19) VCF-style: chr3-176752104-T-A.
Other names: c.1132A>T, p.Met378Leu (NM_001321194.3, NM_001374327.1, NM_001374328.1 and 2 more transcripts); c.871A>T, p.Met291Leu (NM_001321195.3, NM_001374330.1); short protein forms M378L, M291L.
Identifiers: ClinVar variation 3635800 (VCV003635800.2).